The following is an entry in ClinVar:

ClinVar aggregate classification (germline): Conflicting classifications of pathogenicity. Review status: criteria provided, conflicting classifications (1 of 4 stars). 3 submissions from 3 submitters: Uncertain significance (1); Likely benign (2). Last evaluated 2024-10-03.

Conditions:
Hereditary cancer-predisposing syndrome. Also called: Neoplastic Syndromes, Hereditary; Hereditary Cancer Syndrome; Tumor predisposition; Hereditary neoplastic syndrome. Identifiers: Orphanet 140162, MedGen C0027672, MeSH D009386, MONDO:0015356.
Familial cancer of breast. Also called: BREAST CANCER, FAMILIAL; hereditary breast carcinoma; Hereditary breast cancer. Identifiers: Orphanet 227535, MedGen C0346153, MONDO:0016419, OMIM 114480. Disease mechanism: loss of function.

Allele frequency attached by ClinVar (database versions not stated): gnomAD exomes below 0.00001.
gnomAD v4.1: 2 of 1,541,266 alleles (0.00013%); highest among the groups gnomAD compares: Non-Finnish European, 0.00018%; no homozygotes.

Submissions (3):

Myriad Genetics, Inc.
Classification: Likely benign for Familial cancer of breast. Last evaluated: 2024-10-03. Review status: criteria provided, single submitter. Criteria: Myriad Autosomal Dominant, Autosomal Recessive and X-Linked Classification Criteria (2023). Collection method: clinical testing. Allele origin: unknown.
Comment: This variant is considered likely benign. This variant is intronic and is not expected to impact mRNA splicing.

Labcorp Genetics (formerly Invitae), Labcorp
Classification: Likely benign for Familial cancer of breast. Last evaluated: 2021-11-05. Review status: criteria provided, single submitter. Criteria: Invitae Variant Classification Sherloc (09022015). Collection method: clinical testing. Allele origin: germline.

Sema4
Classification: Uncertain significance for Hereditary cancer-predisposing syndrome. Last evaluated: 2021-10-30. Review status: criteria provided, single submitter. Criteria: Sema4 Curation Guidelines. Collection method: curation. Allele origin: germline.
Comment: The CHEK2 c.793-7A>G variant has not been reported in the literature to our knowledge. It was observed in 1/112858 chromosomes of the Non-Finnish European subpopulation in the large and broad cohorts of the Genome Aggregation Database (PMID: 32461654). The variant has not been reported in ClinVar. In silico tools suggest the variant may not disrupt normal splicing, however these predictions have not been confirmed by transcriptional studies. The evidence is insufficient to meet ACMG/AMP criteria for classifying the variant as benign or pathogenic. Thus, the clinical significance of this variant is currently uncertain.

NM_007194.4(CHEK2):c.793-7A>G

Gene: CHEK2 (checkpoint kinase 2; minus strand). Cytogenetic location: 22q12.1.
Variant type: single nucleotide variant.
Coding change: c.793-7A>G on transcript NM_007194.4 (MANE Select); 7 bases into the intron before coding-DNA position 793, A replaced by G.
Molecular consequence: intron variant.
Genome position (GRCh38, 1-based): chr22:28,710,066, T>C on the plus strand (A>G on the coding strand, the complement: CHEK2 is on the minus strand). VCF-style: chr22-28710066-T-C. GRCh37 (hg19) VCF-style: chr22-29106054-T-C.
Other names: c.130-7A>G (NM_001437942.1, NM_001257387.3); c.592-7A>G (NM_001349956.3); c.793-7A>G (NM_145862.3); c.886-7A>G (NM_001438295.1, NM_001438293.1); c.922-7A>G (NM_001438294.1, NM_001005735.3).
Identifiers: ClinVar variation 1554886 (VCV001554886.10), dbSNP rs1569138057, ClinGen allele CA638800179.
Genomic context (GRCh38, chr22:28,710,066, plus strand): 5'-ATGATTTAGCTTTTTCAAAATTTCTATTTCTGTTTCAACATTGAGAGCTGGGTCCTTTGA[T>C]AAACAGAATAACAGAGTTTATTAGTAATAATAATTGCCAATATTTAAAAAAACATTTACA-3'